The following is an entry in ClinVar:

NM_000051.4(ATM):c.4925G>C (p.Gly1642Ala)

Gene: ATM (ATM serine/threonine kinase; plus strand). Cytogenetic location: 11q22.3.
Variant type: single nucleotide variant.
Coding change: c.4925G>C on transcript NM_000051.4 (MANE Select); coding-DNA position 4925, G replaced by C.
Protein change: p.Gly1642Ala; replaces glycine 1642 with alanine.
Molecular consequence: missense variant.
Genome position (GRCh38, 1-based): chr11:108,297,302, G>C. VCF-style: chr11-108297302-G-C. GRCh37 (hg19) VCF-style: chr11-108168029-G-C.
Other names: c.4925G>C, p.Gly1642Ala (NM_001351834.2); short protein forms G1642A.
Identifiers: ClinVar variation 1717931 (VCV001717931.6), dbSNP rs2083175620, ClinGen allele CA382538077.

ClinVar aggregate classification (germline): Uncertain significance. Review status: criteria provided, multiple submitters, no conflicts (2 of 4 stars). 2 submissions from 2 submitters: Uncertain significance (2). Last evaluated 2025-09-11.

Conditions:
Ataxia-telangiectasia syndrome (AT). Also called: Cerebello-oculocutaneous telangiectasia; ATAXIA-TELANGIECTASIA, COMPLEMENTATION GROUP A; ATAXIA-TELANGIECTASIA, FRESNO VARIANT; Ataxia-telangiectasia, complementation group D; AT, COMPLEMENTATION GROUP C; Immunodeficiency with ataxia telangiectasia. Identifiers: Orphanet 100, MedGen C0004135, MONDO:0008840, OMIM 208900.
Hereditary cancer-predisposing syndrome. Also called: Hereditary neoplastic syndrome; Tumor predisposition; Neoplastic Syndromes, Hereditary; Hereditary Cancer Syndrome. Identifiers: Orphanet 140162, MedGen C0027672, MeSH D009386, MONDO:0015356.

Submissions (2):

Labcorp Genetics (formerly Invitae), Labcorp
Classification: Uncertain significance for Ataxia-telangiectasia syndrome. Last evaluated: 2025-09-11. Review status: criteria provided, single submitter. Criteria: Invitae Variant Classification Sherloc (09022015). Collection method: clinical testing. Allele origin: germline.
Comment: This sequence change replaces glycine, which is neutral and non-polar, with alanine, which is neutral and non-polar, at codon 1642 of the ATM protein (p.Gly1642Ala). This variant is not present in population databases (gnomAD no frequency). This variant has not been reported in the literature in individuals affected with ATM-related conditions. ClinVar contains an entry for this variant (Variation ID: 1717931). Invitae Evidence Modeling of protein sequence and biophysical properties (such as structural, functional, and spatial information, amino acid conservation, physicochemical variation, residue mobility, and thermodynamic stability) indicates that this missense variant is not expected to disrupt ATM protein function with a negative predictive value of 95%. In summary, the available evidence is currently insufficient to determine the role of this variant in disease. Therefore, it has been classified as a Variant of Uncertain Significance.

Ambry Genetics
Classification: Uncertain significance for Hereditary cancer-predisposing syndrome. Last evaluated: 2025-04-28. Review status: criteria provided, single submitter. Criteria: Ambry Variant Classification Scheme 2023. Collection method: clinical testing. Allele origin: germline.
Comment: The p.G1642A variant (also known as c.4925G>C), located in coding exon 32 of the ATM gene, results from a G to C substitution at nucleotide position 4925. The glycine at codon 1642 is replaced by alanine, an amino acid with similar properties. This amino acid position is conserved. In addition, this alteration is predicted to be tolerated by in silico analysis. Based on the available evidence, the clinical significance of this variant remains unclear.